The following is an entry in ClinVar:

NC_000017.10:g.(?_41245526)_(41252711_?)del

Gene: BRCA1 (BRCA1 DNA repair associated; minus strand). Cytogenetic location: 17q21.31.
Variant type: Deletion.
Identifiers: ClinVar variation 2425728 (VCV002425728.7).

ClinVar aggregate classification (germline): Likely pathogenic (1 of 4 stars; one submission).

Conditions:
Hereditary breast ovarian cancer syndrome. Also called: Hereditary breast and ovarian cancer syndrome (HBOC); Breast and ovarian cancer; Hereditary breast and/or ovarian cancer syndrome; Hereditary breast and ovarian cancer; BRCA1- and BRCA2-Associated Hereditary Breast and Ovarian Cancer; Hereditary breast and ovarian cancer syndrome. Identifiers: Orphanet 145, MedGen C0677776, MeSH D061325, MONDO:0003582. Disease mechanism: loss of function.

Submission:

Labcorp Genetics (formerly Invitae), Labcorp
Classification: Likely pathogenic for Hereditary breast ovarian cancer syndrome. Last evaluated: 2022-12-26. Review status: criteria provided, single submitter. Criteria: Invitae Variant Classification Sherloc (09022015). Collection method: clinical testing. Allele origin: germline.
Comment: In summary, the currently available evidence indicates that the variant is pathogenic, but additional data are needed to prove that conclusively. Therefore, this variant has been classified as Likely Pathogenic. This variant has not been reported in the literature in individuals affected with BRCA1-related conditions. This variant results in the deletion of exons 7-9 and part of exon 10 (c.442-814_2022del) of the BRCA1 gene. It is expected to disrupt RNA splicing. Variants that disrupt the donor or acceptor splice site typically lead to a loss of protein function (PMID: 16199547), and loss-of-function variants in BRCA1 are known to be pathogenic (PMID: 20104584).

Literature cited by the submitters: PubMed 16199547; PubMed 20104584.